The following is an entry in ClinVar:

ClinVar aggregate classification (germline): Conflicting classifications of pathogenicity. Review status: criteria provided, conflicting classifications (1 of 4 stars). 6 submissions from 6 submitters: Uncertain significance (3); Likely benign (2). 1 of the submissions does not count toward it. Last evaluated 2026-09-30.

Conditions:
MPV17-related disorder. Also called: MPV17-related condition; MPV17-related disorders. Identifiers: MedGen CN239328.
Mitochondrial DNA depletion syndrome 6 (hepatocerebral type). Also called: Mitochondrial DNA depletion syndrome type 6; NAVAJO NEUROPATHY; Navajo neurohepatopathy. Identifiers: Orphanet 255229, MedGen C1850406, MONDO:0009747, OMIM 256810.

Allele frequency attached by ClinVar (database versions not stated): ESP Exome Variant Server 0.00100; gnomAD 0.00101 and 0.00108; TOPMed 0.00106; gnomAD exomes 0.00009; 1000 Genomes Project 0.00120; 1000 Genomes Project 30x 0.00125.
gnomAD v4.1: 276 of 1,614,204 alleles (0.017%); highest among the groups gnomAD compares: African/African-American, 0.35%; no homozygotes.

Submissions (6):

GeneDx
Classification: Uncertain significance. Last evaluated: 2026-09-30. Review status: criteria provided, single submitter. Criteria: GeneDx Variant Classification Process June 2021. Collection method: clinical testing. Allele origin: germline.
Comment: Missense variants in this gene are a common cause of disease and they are underrepresented in the general population; In silico analysis supports that this missense variant has a deleterious effect on protein structure/function; Has not been previously published as pathogenic or benign to our knowledge; This variant is associated with the following publications: (PMID: PriyadarshinP2025[casereport])

Labcorp Genetics (formerly Invitae), Labcorp
Classification: Likely benign. Last evaluated: 2026-01-14. Review status: criteria provided, single submitter. Criteria: Invitae Variant Classification Sherloc (09022015). Collection method: clinical testing. Allele origin: germline.

Mayo Clinic Laboratories, Mayo Clinic
Classification: Uncertain significance. Last evaluated: 2025-10-07. Review status: criteria provided, single submitter. Criteria: ACMG Guidelines, 2015. Collection method: clinical testing. Allele origin: germline. Observed: 4 variant alleles.
Comment: BS1

Illumina Laboratory Services, Illumina
Classification: Uncertain significance for Mitochondrial DNA depletion syndrome 6 (hepatocerebral type). Last evaluated: 2017-04-27. Review status: criteria provided, single submitter. Criteria: ICSL Variant Classification Criteria 13 December 2019. Collection method: clinical testing. Allele origin: germline.

Eurofins Ntd Llc (ga)
Classification: Likely benign. Last evaluated: 2015-10-12. Review status: criteria provided, single submitter. Criteria: EGL Classification Definitions 2015. Collection method: clinical testing. Allele origin: germline. Observed: 1 variant allele, 1 heterozygote.

PreventionGenetics, part of Exact Sciences
Classification: Likely benign for MPV17-related condition. Last evaluated: 2022-04-14. Review status: no assertion criteria provided. Collection method: clinical testing. Allele origin: germline. Not counted in ClinVar's aggregate classification.
Comment: This variant is classified as likely benign based on ACMG/AMP sequence variant interpretation guidelines (Richards et al. 2015 PMID: 25741868, with internal and published modifications).

NM_002437.5(MPV17):c.239C>T (p.Thr80Ile)

Gene: MPV17 (mitochondrial inner membrane protein MPV17; minus strand). Cytogenetic location: 2p23.3.
Variant type: single nucleotide variant.
Coding change: c.239C>T on transcript NM_002437.5 (MANE Select); coding-DNA position 239, C replaced by T.
Protein change: p.Thr80Ile; replaces threonine 80 with isoleucine.
Molecular consequence: missense variant.
Genome position (GRCh38, 1-based): chr2:27,312,720, G>A on the plus strand (C>T on the coding strand, the complement: MPV17 is on the minus strand). VCF-style: chr2-27312720-G-A. GRCh37 (hg19) VCF-style: chr2-27535587-G-A.
Other names: p.Thr80Ile; short protein forms T80I.
Identifiers: ClinVar variation 283585 (VCV000283585.31), dbSNP rs35759430, ClinGen allele CA1575619.